The following is an entry in ClinVar:

ClinVar aggregate classification (germline): Uncertain significance (1 of 4 stars; one submission).

Conditions:
Gorlin syndrome. Also called: Basal cell nevus syndrome; Nevoid Basal Cell Carcinoma Syndrome. Identifiers: Orphanet 377, MedGen C0004779, MONDO:0007187.

Allele frequency attached by ClinVar (database versions not stated): TOPMed 0.00001; ExAC 0.00002.
gnomAD v4.1: 22 of 1,614,096 alleles (0.0014%); highest among the groups gnomAD compares: East Asian, 0.049%; no homozygotes.

Submission:

Labcorp Genetics (formerly Invitae), Labcorp
Classification: Uncertain significance for Gorlin syndrome. Last evaluated: 2025-05-01. Review status: criteria provided, single submitter. Criteria: Invitae Variant Classification Sherloc (09022015). Collection method: clinical testing. Allele origin: germline.
Comment: This sequence change replaces glycine, which is neutral and non-polar, with alanine, which is neutral and non-polar, at codon 828 of the PTCH2 protein (p.Gly828Ala). This variant is present in population databases (rs761925367, gnomAD 0.03%). This variant has not been reported in the literature in individuals affected with PTCH2-related conditions. ClinVar contains an entry for this variant (Variation ID: 640168). Invitae Evidence Modeling of protein sequence and biophysical properties (such as structural, functional, and spatial information, amino acid conservation, physicochemical variation, residue mobility, and thermodynamic stability) has been performed for this missense variant. However, the output from this modeling did not meet the statistical confidence thresholds required to predict the impact of this variant on PTCH2 protein function. In summary, the available evidence is currently insufficient to determine the role of this variant in disease. Therefore, it has been classified as a Variant of Uncertain Significance.

NM_003738.5(PTCH2):c.2483G>C (p.Gly828Ala)

Gene: PTCH2 (patched 2; minus strand). Cytogenetic location: 1p34.1.
Variant type: single nucleotide variant.
Coding change: c.2483G>C on transcript NM_003738.5 (MANE Select); coding-DNA position 2483, G replaced by C.
Protein change: p.Gly828Ala; replaces glycine 828 with alanine.
Molecular consequence: missense variant.
Genome position (GRCh38, 1-based): chr1:44,827,198, C>G on the plus strand (G>C on the coding strand, the complement: PTCH2 is on the minus strand). VCF-style: chr1-44827198-C-G. GRCh37 (hg19) VCF-style: chr1-45292870-C-G.
Other names: c.2483G>C, p.Gly828Ala (NM_001166292.2); short protein forms G828A.
Identifiers: ClinVar variation 640168 (VCV000640168.11), dbSNP rs761925367, ClinGen allele CA822993.